The following is an entry in ClinVar:

ClinVar aggregate classification (germline): Uncertain significance (1 of 4 stars; one submission).

Conditions:
Epileptic encephalopathy. Identifiers: MedGen C0543888, HP:0200134.

Allele frequency attached by ClinVar (database versions not stated): gnomAD exomes below 0.00001.
gnomAD v4.1: 2 of 1,588,096 alleles (0.00013%); highest among the groups gnomAD compares: South Asian, 0.0011%; no homozygotes.

Submission:

Labcorp Genetics (formerly Invitae), Labcorp
Classification: Uncertain significance for Epileptic encephalopathy. Last evaluated: 2022-11-17. Review status: criteria provided, single submitter. Criteria: Invitae Variant Classification Sherloc (09022015). Collection method: clinical testing. Allele origin: germline.
Comment: In summary, the available evidence is currently insufficient to determine the role of this variant in disease. Therefore, it has been classified as a Variant of Uncertain Significance. Algorithms developed to predict the effect of missense changes on protein structure and function output the following: SIFT: "Tolerated"; PolyPhen-2: "Benign"; Align-GVGD: "Class C0". The isoleucine amino acid residue is found in multiple mammalian species, which suggests that this missense change does not adversely affect protein function. This variant has not been reported in the literature in individuals affected with FASN-related conditions. This variant is not present in population databases (gnomAD no frequency). This sequence change replaces threonine, which is neutral and polar, with isoleucine, which is neutral and non-polar, at codon 211 of the FASN protein (p.Thr211Ile).

NM_004104.5(FASN):c.632C>T (p.Thr211Ile)

Gene: FASN (fatty acid synthase; minus strand). Cytogenetic location: 17q25.3.
Variant type: single nucleotide variant.
Coding change: c.632C>T on transcript NM_004104.5 (MANE Select); coding-DNA position 632, C replaced by T.
Protein change: p.Thr211Ile; replaces threonine 211 with isoleucine.
Molecular consequence: missense variant.
Genome position (GRCh38, 1-based): chr17:82,093,242, G>A on the plus strand (C>T on the coding strand, the complement: FASN is on the minus strand). VCF-style: chr17-82093242-G-A. GRCh37 (hg19) VCF-style: chr17-80051118-G-A.
Other names: short protein forms T211I.
Identifiers: ClinVar variation 2989210 (VCV002989210.3), dbSNP rs2034245165, ClinGen allele CA401563496.